The following is an entry in ClinVar:

ClinVar aggregate classification (germline): Uncertain significance (1 of 4 stars; one submission).

Submission:

Labcorp Genetics (formerly Invitae), Labcorp
Classification: Uncertain significance. Last evaluated: 2022-02-08. Review status: criteria provided, single submitter. Criteria: Invitae Variant Classification Sherloc (09022015). Collection method: clinical testing. Allele origin: germline.
Comment: This sequence change replaces proline, which is neutral and non-polar, with leucine, which is neutral and non-polar, at codon 122 of the KARS protein (p.Pro122Leu). This variant is not present in population databases (gnomAD no frequency). This variant has not been reported in the literature in individuals affected with KARS-related conditions. Algorithms developed to predict the effect of missense changes on protein structure and function (SIFT, PolyPhen-2, Align-GVGD) all suggest that this variant is likely to be disruptive. In summary, the available evidence is currently insufficient to determine the role of this variant in disease. Therefore, it has been classified as a Variant of Uncertain Significance.

NM_005548.3(KARS1):c.281C>T (p.Pro94Leu)

Gene: KARS1 (lysyl-tRNA synthetase 1; minus strand). Cytogenetic location: 16q23.1.
Variant type: single nucleotide variant.
Coding change: c.281C>T on transcript NM_005548.3 (MANE Select); coding-DNA position 281, C replaced by T.
Protein change: p.Pro94Leu; replaces proline 94 with leucine.
Molecular consequence: missense variant. On other transcripts: 5 prime UTR variant (1).
Genome position (GRCh38, 1-based): chr16:75,640,291, G>A on the plus strand (C>T on the coding strand, the complement: KARS1 is on the minus strand). VCF-style: chr16-75640291-G-A. GRCh37 (hg19) VCF-style: chr16-75674189-G-A.
Other names: c.365C>T, p.Pro122Leu (NM_001130089.2); c.-188C>T (NM_001378148.1); short protein forms P122L, P94L.
Identifiers: ClinVar variation 2090389 (VCV002090389.4), dbSNP rs2507053530, ClinGen allele CA396815843.
Genomic context (GRCh38, chr16:75,640,291, plus strand): 5'-TGACTATATTTTTGGATGAAGTCAGTGAGTGAGATGTCTACATGGAACTTGTGTGGGTAT[G>A]GGTCTTCCCCATTGACCTTCAGCTGATGAATTGCTTGACTGCGGATTTTGTAGTATTGCT-3'
Protein context (NP_005539.1, residues 84-104): IHQLKVNGED[Pro94Leu]YPHKFHVDIS